The following is an entry in ClinVar:

ClinVar aggregate classification (germline): Conflicting classifications of pathogenicity. Review status: criteria provided, conflicting classifications (1 of 4 stars). 4 submissions from 4 submitters: Likely pathogenic (3); Uncertain significance (1). Last evaluated 2025-07-08.

Conditions:
Pigmentary pallidal degeneration (NBIA1). Also called: PKAN NEUROAXONAL DYSTROPHY, JUVENILE-ONSET; Pantothenate Kinase-Associated Neurodegeneration; Neuroaxonal dystrophy, late infantile; Hallervorden-Spatz disease; Neurodegeneration with brain iron accumulation 1; HARP SYNDROME. Identifiers: Orphanet 157850, MedGen C0018523, MONDO:0009319, OMIM 234200.

Allele frequency attached by ClinVar (database versions not stated): ExAC 0.00001; TOPMed 0.00001; gnomAD exomes 0.00002; gnomAD 0.00001.
gnomAD v4.1: 28 of 1,614,084 alleles (0.0017%); highest among the groups gnomAD compares: Middle Eastern, 0.033%; no homozygotes.

Submissions (4):

GeneDx
Classification: Uncertain significance. Last evaluated: 2025-07-08. Review status: criteria provided, single submitter. Criteria: GeneDx Variant Classification Process June 2021. Collection method: clinical testing. Allele origin: germline. Affected: yes.
Comment: Reported previously, using alternate nomenclature, in a patient with atypical PKAN; however, it is unclear if the patient harbored a second variant (PMID: 11479594); Not observed at significant frequency in large population cohorts (gnomAD); In silico analysis suggests that this missense variant does not alter protein structure/function; This variant is associated with the following publications: (PMID: 14639680, 12510040, 36233161, 28845923, 15465096, 11479594)

Clinical Genetics Laboratory, Region Ostergotland
Classification: Likely pathogenic for Pigmentary pallidal degeneration. Last evaluated: 2024-11-14. Review status: criteria provided, single submitter. Criteria: ACMG Guidelines, 2015. Collection method: clinical testing. Allele origin: germline. Affected: yes.
Comment: The following ACMG/AMP criteria were applied in classifying this variant: PS4_strong, PM2

Women's Health and Genetics/Laboratory Corporation of America, LabCorp
Classification: Likely pathogenic for Pigmentary pallidal degeneration. Last evaluated: 2024-11-06. Review status: criteria provided, single submitter. Criteria: LabCorp Variant Classification Summary - May 2015. Collection method: clinical testing. Allele origin: germline.
Comment: Variant summary: PANK2 c.1064A>G (p.Asn355Ser) results in a conservative amino acid change located in the actin-like ATPase domain of the encoded protein sequence. Three of five in-silico tools predict a benign effect of the variant on protein function. The variant allele was found at a frequency of 2.4e-05 in 251382 control chromosomes. c.1064A>G has been reported in the literature in homozygous and compound heterozygous individuals affected with Pantothenate Kinase-Associated Neurodegeneration (e.g., Darling_2017, Hayflick_2003, Molinuevo_2003, Yamashita_2004, Zhou_2001). These data indicate that the variant is likely to be associated with disease. To our knowledge, no experimental evidence demonstrating an impact on protein function has been reported. The following publications have been ascertained in the context of this evaluation (PMID: 28845923, 12510040, 14639680, 15465096, 11479594). ClinVar contains an entry for this variant (Variation ID: 566107). Based on the evidence outlined above, the variant was classified as likely pathogenic.

Labcorp Genetics (formerly Invitae), Labcorp
Classification: Likely pathogenic for Pigmentary pallidal degeneration. Last evaluated: 2024-04-02. Review status: criteria provided, single submitter. Criteria: Invitae Variant Classification Sherloc (09022015). Collection method: clinical testing. Allele origin: germline.
Comment: This sequence change replaces asparagine, which is neutral and polar, with serine, which is neutral and polar, at codon 355 of the PANK2 protein (p.Asn355Ser). This variant is present in population databases (rs746484727, gnomAD 0.006%). This missense change has been observed in individual(s) with Hallervorden-Spatz syndrome, also known as pantothenate kinase-associated neurodegeneration (PKAN) (PMID: 11479594, 14639680, 15465096, 28845923). ClinVar contains an entry for this variant (Variation ID: 566107). Advanced modeling of protein sequence and biophysical properties (such as structural, functional, and spatial information, amino acid conservation, physicochemical variation, residue mobility, and thermodynamic stability) has been performed at Invitae for this missense variant, however the output from this modeling did not meet the statistical confidence thresholds required to predict the impact of this variant on PANK2 protein function. In summary, the currently available evidence indicates that the variant is pathogenic, but additional data are needed to prove that conclusively. Therefore, this variant has been classified as Likely Pathogenic.

Literature cited by the submitters: PubMed 11479594 (cited by Women's Health and Genetics/Laboratory Corporation of America, LabCorp and Labcorp Genetics (formerly Invitae), Labcorp); PubMed 12510040 (cited by Women's Health and Genetics/Laboratory Corporation of America, LabCorp); PubMed 28845923 (cited by Women's Health and Genetics/Laboratory Corporation of America, LabCorp and Labcorp Genetics (formerly Invitae), Labcorp); PubMed 14639680 (cited by Women's Health and Genetics/Laboratory Corporation of America, LabCorp and Labcorp Genetics (formerly Invitae), Labcorp); PubMed 15465096 (cited by Women's Health and Genetics/Laboratory Corporation of America, LabCorp and Labcorp Genetics (formerly Invitae), Labcorp).

NM_001386393.1(PANK2):c.734A>G (p.Asn245Ser)

Gene: PANK2 (pantothenate kinase 2; plus strand). Cytogenetic location: 20p13.
Variant type: single nucleotide variant.
Coding change: c.734A>G on transcript NM_001386393.1 (MANE Select); coding-DNA position 734, A replaced by G.
Protein change: p.Asn245Ser; replaces asparagine 245 with serine.
Molecular consequence: missense variant. On other transcripts: 5 prime UTR variant (1), non-coding transcript variant (1).
Genome position (GRCh38, 1-based): chr20:3,910,659, A>G. VCF-style: chr20-3910659-A-G. GRCh37 (hg19) VCF-style: chr20-3891306-A-G.
Other names: c.191A>G, p.Asn64Ser (NM_001324191.2, NM_024960.6, NM_153640.4); c.-245A>G (NM_001324193.2); c.1064A>G, p.Asn355Ser (NM_153638.4); short protein forms N355S, N64S, N245S.
Identifiers: ClinVar variation 566107 (VCV000566107.15), dbSNP rs746484727, ClinGen allele CA9750760.